The following is an entry in ClinVar:

ClinVar aggregate classification (germline): Likely pathogenic (1 of 4 stars; one submission).

Conditions:
Hereditary cancer-predisposing syndrome. Also called: Tumor predisposition; Neoplastic Syndromes, Hereditary; Hereditary Cancer Syndrome; Hereditary neoplastic syndrome. Identifiers: Orphanet 140162, MedGen C0027672, MeSH D009386, MONDO:0015356.

gnomAD v4.1: 1 of 1,614,216 alleles (0.000062%); highest among the groups gnomAD compares: Non-Finnish European, 0.000085%; no homozygotes.

Submission:

Ambry Genetics
Classification: Likely pathogenic for Hereditary cancer-predisposing syndrome. Last evaluated: 2024-09-06. Review status: criteria provided, single submitter. Criteria: Ambry Variant Classification Scheme 2023. Collection method: clinical testing. Allele origin: germline.
Comment: The p.L324P variant (also known as c.971T>C), located in coding exon 7 of the FH gene, results from a T to C substitution at nucleotide position 971. The leucine at codon 324 is replaced by proline, an amino acid with similar properties. This variant has been observed in at least one individual with a personal and/or family history that is consistent with FH-associated disease (Ambry internal data). In addition, this variant has been detected in an FH-deficient smooth muscle tumor (McMurtry V et al. Am J Clin Pathol. 2023 Feb;159(2):164-171); and it has been reported to demonstrate reduced levels of FH activity (Muller M et al. Clin Genet. 2017 Dec;92(6):606-615). This amino acid position is highly conserved in available vertebrate species. In addition, this alteration is predicted to be deleterious by in silico analysis. This variant is considered to be rare based on population cohorts in the Genome Aggregation Database (gnomAD). Based on the majority of available evidence to date, this variant is likely to be pathogenic.

Literature cited by the submitters: PubMed 28300276; PubMed 36495298.

NM_000143.4(FH):c.971T>C (p.Leu324Pro)

Gene: FH (fumarate hydratase; minus strand). Cytogenetic location: 1q43.
Variant type: single nucleotide variant.
Coding change: c.971T>C on transcript NM_000143.4 (MANE Select); coding-DNA position 971, T replaced by C.
Protein change: p.Leu324Pro; replaces leucine 324 with proline.
Molecular consequence: missense variant.
Genome position (GRCh38, 1-based): chr1:241,504,179, A>G on the plus strand (T>C on the coding strand, the complement: FH is on the minus strand). VCF-style: chr1-241504179-A-G. GRCh37 (hg19) VCF-style: chr1-241667479-A-G.
Other names: short protein forms L324P.
Identifiers: ClinVar variation 3515098 (VCV003515098.1).